The following is an entry in ClinVar:

ClinVar aggregate classification (germline): Uncertain significance (1 of 4 stars; one submission).

Submission:

GeneDx
Classification: Uncertain significance. Last evaluated: 2023-06-09. Review status: criteria provided, single submitter. Criteria: GeneDx Variant Classification Process June 2021. Collection method: clinical testing. Allele origin: germline. Affected: yes.
Comment: Not observed at significant frequency in large population cohorts (gnomAD); In silico analysis supports that this missense variant has a deleterious effect on protein structure/function; Has not been previously published as pathogenic or benign to our knowledge

NM_000193.4(SHH):c.1295T>C (p.Ile432Thr)

Gene: SHH (sonic hedgehog signaling molecule; minus strand). Cytogenetic location: 7q36.3.
Variant type: single nucleotide variant.
Coding change: c.1295T>C on transcript NM_000193.4 (MANE Select); coding-DNA position 1295, T replaced by C.
Protein change: p.Ile432Thr; replaces isoleucine 432 with threonine.
Molecular consequence: missense variant. On other transcripts: intron variant (1).
Genome position (GRCh38, 1-based): chr7:155,802,994, A>G on the plus strand (T>C on the coding strand, the complement: SHH is on the minus strand). VCF-style: chr7-155802994-A-G. GRCh37 (hg19) VCF-style: chr7-155595688-A-G.
Other names: c.302-2749T>C (NM_001310462.2); short protein forms I432T.
Identifiers: ClinVar variation 3359761 (VCV003359761.1).